The following is an entry in ClinVar:

NM_000518.5(HBB):c.126del (p.Phe43fs)

Genes: HBB (hemoglobin subunit beta; minus strand), LOC107133510 (origin of replication at HBB; plus strand), LOC106099062 (HBB recombination region; plus strand). Cytogenetic location: 11p15.4.
Variant type: Deletion.
Coding change: c.126del on transcript NM_000518.5 (MANE Select); coding-DNA position 126, one base deleted (C; older notation c.126delC).
Protein change: p.Phe43fs; shifts the reading frame from phenylalanine 43.
Molecular consequence: frameshift variant.
Genome position (GRCh38, 1-based): chr11:5,226,766, G deleted on the plus strand (C on the coding strand, the reverse complement: HBB is on the minus strand). VCF-style (leftmost placement, unchanged base first): chr11-5226765-AG-A. GRCh37 (hg19) VCF-style: chr11-5247995-AG-A.
Other names: CD 41 (-C); short protein forms F43fs.
Identifiers: ClinVar variation 849512 (VCV000849512.16), dbSNP rs35755331, ClinGen allele CA217114496.
Genomic context (GRCh38, chr11:5,226,765, plus strand): 5'-CCTTCACCTTAGGGTTGCCCATAACAGCATCAGGAGTGGACAGATCCCCAAAGGACTCAA[AG>A]AACCTCTGGGTCCAAGGGTAGACCACCAGCAGCCTAAGGGTGGGAAAATAGACCAATAGG-3'

ClinVar aggregate classification (germline): Pathogenic. Review status: criteria provided, multiple submitters, no conflicts (2 of 4 stars). 4 submissions from 4 submitters: Pathogenic (2). 2 of the submissions do not count toward it. Last evaluated 2020-11-12.

Conditions:
beta Thalassemia (BTHAL). Also called: Cooley's anemia; Erythroblastic anemia; Mediterranean anemia. Identifiers: Orphanet 848, MedGen C0005283, MONDO:0019402. Disease mechanism: loss of function.

Submissions (4):

Quest Diagnostics Nichols Institute San Juan Capistrano
Classification: Pathogenic. Last evaluated: 2020-11-12. Review status: criteria provided, single submitter. Criteria: Quest Diagnostics criteria. Collection method: clinical testing. Allele origin: unknown.
Comment: The variant results in a shift of the reading frame, and is therefore predicted to result in the loss of a functional protein. Variant was found in at least one symptomatic patient, and not found in general population data.

Labcorp Genetics (formerly Invitae), Labcorp
Classification: Pathogenic. Last evaluated: 2019-01-23. Review status: criteria provided, single submitter. Criteria: Invitae Variant Classification Sherloc (09022015). Collection method: clinical testing. Allele origin: germline.
Comment: For these reasons, this variant has been classified as Pathogenic. Loss-of-function variants in HBB are known to be pathogenic (PMID: 23637309). This variant has been observed in individuals affected with HBB-related conditions (PMID: 1951306, 19460936). This variant is also described as a deletion of a C nucleotide in codon 41 in the literature. This variant is not present in population databases (ExAC no frequency). This sequence change creates a premature translational stop signal (p.Phe43Leufs*19) in the HBB gene. It is expected to result in an absent or disrupted protein product.

The ITHANET community portal, The Cyprus Institute of Neurology and Genetics
Classification: Pathogenic for beta Thalassemia. Last evaluated: 2019-11-25. Review status: no assertion criteria provided. Collection method: curation. Allele origin: germline. Not counted in ClinVar's aggregate classification.

Natera, Inc.
Classification: Pathogenic for Beta thalassemia. Last evaluated: 2017-03-17. Review status: no assertion criteria provided. Collection method: clinical testing. Allele origin: germline. Not counted in ClinVar's aggregate classification.

Literature cited by the submitters: PubMed 1951306 (cited by 3 submitters); PubMed 19460936 (cited by Quest Diagnostics Nichols Institute San Juan Capistrano and Labcorp Genetics (formerly Invitae), Labcorp); PubMed 28125089 (cited by Quest Diagnostics Nichols Institute San Juan Capistrano); PubMed 23637309 (cited by Labcorp Genetics (formerly Invitae), Labcorp).